The following is an entry in ClinVar:

NM_018297.4(NGLY1):c.636G>T (p.Ser212=)

Gene: NGLY1 (N-glycanase 1; minus strand). Cytogenetic location: 3p24.2.
Variant type: single nucleotide variant.
Coding change: c.636G>T on transcript NM_018297.4 (MANE Select); coding-DNA position 636, G replaced by T.
Protein change: p.Ser212=; no amino-acid change (serine 212 retained).
Molecular consequence: synonymous variant.
Genome position (GRCh38, 1-based): chr3:25,751,120, C>A on the plus strand (G>T on the coding strand, the complement: NGLY1 is on the minus strand). VCF-style: chr3-25751120-C-A. GRCh37 (hg19) VCF-style: chr3-25792611-C-A.
Other names: c.636G>T, p.Ser212= (NM_001145293.2, NM_001145295.2); c.510G>T, p.Ser170= (NM_001145294.2).
Identifiers: ClinVar variation 474230 (VCV000474230.13), dbSNP rs201479575, ClinGen allele CA2289429.

ClinVar aggregate classification (germline): Likely benign. Review status: criteria provided, multiple submitters, no conflicts (2 of 4 stars). 3 submissions from 3 submitters: Likely benign (2). 1 of the submissions does not count toward it. Last evaluated 2026-01-22.

Conditions:
NGLY1-related disorder. Also called: NGLY1-related condition.
Congenital disorder of deglycosylation (CDDG). Identifiers: MedGen C3808991, MONDO:0031376.

Allele frequency attached by ClinVar (database versions not stated): TOPMed 0.00045; gnomAD 0.00053; 1000 Genomes Project 0.00060; 1000 Genomes Project 30x 0.00062.
gnomAD v4.1: 119 of 1,612,654 alleles (0.0074%); highest among the groups gnomAD compares: African/African-American, 0.15%; no homozygotes.

Submissions (3):

Labcorp Genetics (formerly Invitae), Labcorp
Classification: Likely benign for Congenital disorder of deglycosylation. Last evaluated: 2026-01-22. Review status: criteria provided, single submitter. Criteria: Invitae Variant Classification Sherloc (09022015). Collection method: clinical testing. Allele origin: germline.

Blueprint Genetics
Classification: Likely benign. Last evaluated: 2022-06-13. Review status: criteria provided, single submitter. Criteria: ACMG Guidelines, 2015. Collection method: clinical testing. Allele origin: germline.

PreventionGenetics, part of Exact Sciences
Classification: Likely benign for NGLY1-related condition. Last evaluated: 2024-06-13. Review status: no assertion criteria provided. Collection method: clinical testing. Allele origin: germline. Not counted in ClinVar's aggregate classification.
Comment: This variant is classified as likely benign based on ACMG/AMP sequence variant interpretation guidelines (Richards et al. 2015 PMID: 25741868, with internal and published modifications).